The following is an entry in ClinVar:

ClinVar aggregate classification (germline): Pathogenic (1 of 4 stars; one submission).

Conditions:
Hereditary nonpolyposis colorectal neoplasms. Identifiers: MedGen C0009405, MeSH D003123.

Submission:

Labcorp Genetics (formerly Invitae), Labcorp
Classification: Pathogenic for Hereditary nonpolyposis colorectal neoplasms. Last evaluated: 2021-09-08. Review status: criteria provided, single submitter. Criteria: Invitae Variant Classification Sherloc (09022015). Collection method: clinical testing. Allele origin: germline.
Comment: For these reasons, this variant has been classified as Pathogenic. Retrotransposon insertions including LINE1 (L1), Alu, and SVA (SINE-VNTR-Alu) have been reported to be disease-causing through disruption of either a coding region or splice site (PMID: 19763152, 20307669, 22406018) and loss-of-function variants in PMS2 are known to be pathogenic (PMID: 21376568, 24362816). Algorithms developed to predict the effect of sequence changes on RNA splicing suggest that this variant may create or strengthen a splice site. This variant has not been reported in the literature in individuals affected with PMS2-related conditions. This variant is not present in population databases (ExAC no frequency). This sequence change inserts a large fragment of DNA, likely a transposable element, in exon 11 of the PMS2 gene (c.1273_1274ins115), causing a frameshift at codon 425 (p.Ser425fs). The exact size and sequence of the insertion cannot be determined by the current assay. However, the insertion is expected to result in an absent or disrupted protein product.

Literature cited by the submitters: PubMed 19763152; PubMed 20307669; PubMed 22406018; PubMed 21376568; PubMed 24362816.

NM_000535.7(PMS2):c.1273_1274insTTTTTTTTTTTTTTTTTTTTNNNNNNNNNNCCTGACCTCGTGATCCGCCCGCCTCGGCCTCCCAAAGTGCTGGGATTACAGGCGTGAGCCACCGCGCCCGGCCGAGAGGCCTTTT (p.Ser425delinsPhePhePhePhePhePhePheXaaXaaXaaXaaTer)

Gene: PMS2 (PMS1 homolog 2, mismatch repair system component; minus strand). Cytogenetic location: 7p22.1.
Variant type: Microsatellite.
Coding change: c.1273_1274insTTTTTTTTTTTTTTTTTTTTNNNNNNNNNNCCTGACCTCGTGATCCGCCCGCCTCGGCCTCCCAAAGTGCTGGGATTACAGGCGTGAGCCACCGCGCCCGGCCGAGAGGCCTTTT on transcript NM_000535.7 (MANE Select); coding-DNA positions 1273 to 1274, TTTTTTTTTTTTTTTTTTTTNNNNNNNNNNCCTGACCTCGTGATCCGCCCGCCTCGGCCTCCCAAAGTGCTGGGATTACAGGCGTGAGCCACCGCGCCCGGCCGAGAGGCCTTTT inserted.
Protein change: p.Ser425delinsPhePhePhePhePhePhePheXaaXaaXaaXaaTer.
Molecular consequence: nonsense. On other transcripts: non-coding transcript variant (1).
Genome position: GRCh38: chr7:5,987,492-5,987,504. GRCh37 (hg19): chr7:6,027,123-6,027,135.
Other names: c.700_701insTTTTTTTTTTTTTTTTTTTTNNNNNNNNNNCCTGACCTCGTGATCCGCCCGCCTCGGCCTCCCAAAGTGCTGGGATTACAGGCGTGAGCCACCGCGCCCGGCCGAGAGGCCTTTT, p.Ser234delinsPhePhePhePhePhePhePheXaaXaaXaaXaaTer (NM_001322013.2); c.1273_1274insTTTTTTTTTTTTTTTTTTTTNNNNNNNNNNCCTGACCTCGTGATCCGCCCGCCTCGGCCTCCCAAAGTGCTGGGATTACAGGCGTGAGCCACCGCGCCCGGCCGAGAGGCCTTTT, p.Ser425delinsPhePhePhePhePhePhePheXaaXaaXaaXaaTer (NM_001322014.2); c.964_965insTTTTTTTTTTTTTTTTTTTTNNNNNNNNNNCCTGACCTCGTGATCCGCCCGCCTCGGCCTCCCAAAGTGCTGGGATTACAGGCGTGAGCCACCGCGCCCGGCCGAGAGGCCTTTT, p.Ser322delinsPhePhePhePhePhePhePheXaaXaaXaaXaaTer (NM_001322015.2); c.868_869insTTTTTTTTTTTTTTTTTTTTNNNNNNNNNNCCTGACCTCGTGATCCGCCCGCCTCGGCCTCCCAAAGTGCTGGGATTACAGGCGTGAGCCACCGCGCCCGGCCGAGAGGCCTTTT, p.Ser290delinsPhePhePhePhePhePhePheXaaXaaXaaXaaTer (NM_001322003.2, NM_001322004.2, NM_001322005.2 and 1 more transcripts); c.1117_1118insTTTTTTTTTTTTTTTTTTTTNNNNNNNNNNCCTGACCTCGTGATCCGCCCGCCTCGGCCTCCCAAAGTGCTGGGATTACAGGCGTGAGCCACCGCGCCCGGCCGAGAGGCCTTTT, p.Ser373delinsPhePhePhePhePhePhePheXaaXaaXaaXaaTer (NM_001322006.2); c.955_956insTTTTTTTTTTTTTTTTTTTTNNNNNNNNNNCCTGACCTCGTGATCCGCCCGCCTCGGCCTCCCAAAGTGCTGGGATTACAGGCGTGAGCCACCGCGCCCGGCCGAGAGGCCTTTT, p.Ser319delinsPhePhePhePhePhePhePheXaaXaaXaaXaaTer (NM_001322007.2, NM_001322008.2); c.712_713insTTTTTTTTTTTTTTTTTTTTNNNNNNNNNNCCTGACCTCGTGATCCGCCCGCCTCGGCCTCCCAAAGTGCTGGGATTACAGGCGTGAGCCACCGCGCCCGGCCGAGAGGCCTTTT, p.Ser238delinsPhePhePhePhePhePhePheXaaXaaXaaXaaTer (NM_001322010.2); c.340_341insTTTTTTTTTTTTTTTTTTTTNNNNNNNNNNCCTGACCTCGTGATCCGCCCGCCTCGGCCTCCCAAAGTGCTGGGATTACAGGCGTGAGCCACCGCGCCCGGCCGAGAGGCCTTTT, p.Ser114delinsPhePhePhePhePhePhePheXaaXaaXaaXaaTer (NM_001322011.2, NM_001322012.2).
Identifiers: ClinVar variation 1453828 (VCV001453828.6).